The following is an entry in ClinVar:

NM_001042492.3(NF1):c.1982del (p.Gly661fs)

Gene: NF1 (neurofibromin 1; plus strand). Cytogenetic location: 17q11.2.
Variant type: Deletion.
Coding change: c.1982del on transcript NM_001042492.3 (MANE Select); coding-DNA position 1982, one base deleted (G; older notation c.1982delG).
Protein change: p.Gly661fs; shifts the reading frame from glycine 661.
Molecular consequence: frameshift variant.
Genome position (GRCh38, 1-based): chr17:31,225,231, G deleted; the last of 3 consecutive G bases (chr17:31,225,229-31,225,231); deleting any one gives the same sequence. VCF-style (leftmost placement, unchanged base first): chr17-31225228-AG-A. GRCh37 (hg19) VCF-style: chr17-29552246-AG-A.
Other names: c.1982delG, p.Gly661Glufs (NM_000267.4); short protein forms G661fs.
Identifiers: ClinVar variation 1367961 (VCV001367961.6), dbSNP rs2144027729, ClinGen allele CA2573153240.

ClinVar aggregate classification (germline): Pathogenic (1 of 4 stars; one submission).

Conditions:
Neurofibromatosis, type 1 (NF1). Also called: Peripheral type neurofibromatosis; Neurofibromatosis, type I; NEUROFIBROMATOSIS, TYPE I, SOMATIC; VON RECKLINGHAUSEN DISEASE. Identifiers: Orphanet 636, MedGen C0027831, MONDO:0018975, OMIM 162200. Disease mechanism: loss of function.

Submission:

Labcorp Genetics (formerly Invitae), Labcorp
Classification: Pathogenic for Neurofibromatosis, type 1. Last evaluated: 2020-12-12. Review status: criteria provided, single submitter. Criteria: Invitae Variant Classification Sherloc (09022015). Collection method: clinical testing. Allele origin: germline.
Comment: For these reasons, this variant has been classified as Pathogenic. This variant has not been reported in the literature in individuals with NF1-related conditions. This variant is not present in population databases (ExAC no frequency). This sequence change creates a premature translational stop signal (p.Gly661Glufs*27) in the NF1 gene. It is expected to result in an absent or disrupted protein product. Loss-of-function variants in NF1 are known to be pathogenic (PMID: 10712197, 23913538).

Literature cited by the submitters: PubMed 10712197; PubMed 23913538.